The following is an entry in ClinVar:

ClinVar aggregate classification (germline): Uncertain significance (1 of 4 stars; one submission).

Conditions:
Brugada syndrome 8 (BRGDA8). Identifiers: Orphanet 130, MedGen C2751083, MONDO:0013148, OMIM 613123.

Submission:

Labcorp Genetics (formerly Invitae), Labcorp
Classification: Uncertain significance for Brugada syndrome 8. Last evaluated: 2023-02-28. Review status: criteria provided, single submitter. Criteria: Invitae Variant Classification Sherloc (09022015). Collection method: clinical testing. Allele origin: germline.
Comment: In summary, the available evidence is currently insufficient to determine the role of this variant in disease. Therefore, it has been classified as a Variant of Uncertain Significance. Advanced modeling of protein sequence and biophysical properties (such as structural, functional, and spatial information, amino acid conservation, physicochemical variation, residue mobility, and thermodynamic stability) performed at Invitae indicates that this missense variant is not expected to disrupt HCN4 protein function. This variant has not been reported in the literature in individuals affected with HCN4-related conditions. This variant is not present in population databases (gnomAD no frequency). This sequence change replaces glutamic acid, which is acidic and polar, with glycine, which is neutral and non-polar, at codon 191 of the HCN4 protein (p.Glu191Gly).

NM_005477.3(HCN4):c.572A>G (p.Glu191Gly)

Gene: HCN4 (hyperpolarization activated cyclic nucleotide gated potassium channel 4; minus strand). Cytogenetic location: 15q24.1.
Variant type: single nucleotide variant.
Coding change: c.572A>G on transcript NM_005477.3 (MANE Select); coding-DNA position 572, A replaced by G.
Protein change: p.Glu191Gly; replaces glutamic acid 191 with glycine.
Molecular consequence: missense variant.
Genome position (GRCh38, 1-based): chr15:73,367,699, T>C on the plus strand (A>G on the coding strand, the complement: HCN4 is on the minus strand). VCF-style: chr15-73367699-T-C. GRCh37 (hg19) VCF-style: chr15-73660040-T-C.
Other names: short protein forms E191G.
Identifiers: ClinVar variation 2738070 (VCV002738070.3), dbSNP rs2549080235, ClinGen allele CA393097597.